The following is an entry in ClinVar:

ClinVar aggregate classification (germline): Uncertain significance. Review status: criteria provided, multiple submitters, no conflicts (2 of 4 stars). 2 submissions from 2 submitters: Uncertain significance (2). Last evaluated 2024-07-17.

Conditions:
Schuurs-Hoeijmakers syndrome. Also called: PACS1-Related Neurodevelopmental Disorder. Identifiers: Orphanet 329224, MedGen C3554343, MONDO:0014006, OMIM 615009.

Allele frequency attached by ClinVar (database versions not stated): gnomAD exomes below 0.00001.
gnomAD v4.1: 4 of 1,591,386 alleles (0.00025%); highest among the groups gnomAD compares: Non-Finnish European, 0.00017%; no homozygotes.

Submissions (2):

Labcorp Genetics (formerly Invitae), Labcorp
Classification: Uncertain significance for Schuurs-Hoeijmakers syndrome. Last evaluated: 2024-07-17. Review status: criteria provided, single submitter. Criteria: Invitae Variant Classification Sherloc (09022015). Collection method: clinical testing. Allele origin: germline.
Comment: This sequence change replaces asparagine, which is neutral and polar, with histidine, which is basic and polar, at codon 813 of the PACS1 protein (p.Asn813His). This variant is not present in population databases (gnomAD no frequency). This variant has not been reported in the literature in individuals affected with PACS1-related conditions. ClinVar contains an entry for this variant (Variation ID: 1715266). Advanced modeling of protein sequence and biophysical properties (such as structural, functional, and spatial information, amino acid conservation, physicochemical variation, residue mobility, and thermodynamic stability) performed at Invitae indicates that this missense variant is not expected to disrupt PACS1 protein function with a negative predictive value of 80%. In summary, the available evidence is currently insufficient to determine the role of this variant in disease. Therefore, it has been classified as a Variant of Uncertain Significance.

Clinical Genetics Laboratory, Skane University Hospital Lund
Classification: Uncertain significance. Last evaluated: 2023-08-22. Review status: criteria provided, single submitter. Criteria: ACMG Guidelines, 2015. Collection method: clinical testing. Allele origin: germline. Affected: yes.

NM_018026.4(PACS1):c.2437A>C (p.Asn813His)

Gene: PACS1 (phosphofurin acidic cluster sorting protein 1; plus strand). Cytogenetic location: 11q13.2.
Variant type: single nucleotide variant.
Coding change: c.2437A>C on transcript NM_018026.4 (MANE Select); coding-DNA position 2437, A replaced by C.
Protein change: p.Asn813His; replaces asparagine 813 with histidine.
Molecular consequence: missense variant.
Genome position (GRCh38, 1-based): chr11:66,241,434, A>C. VCF-style: chr11-66241434-A-C. GRCh37 (hg19) VCF-style: chr11-66008905-A-C.
Other names: short protein forms N813H.
Identifiers: ClinVar variation 1715266 (VCV001715266.7), dbSNP rs1416101282, ClinGen allele CA381381294.